The following is an entry in ClinVar:

ClinVar aggregate classification (germline): Benign. Review status: criteria provided, single submitter (1 of 4 stars). 2 submissions from 2 submitters: Benign (1). 1 of the submissions does not count toward it. Last evaluated 2017-12-07.

Conditions:
UNC13A-related disorder. Also called: UNC13A-related condition.

Allele frequency attached by ClinVar (database versions not stated): ExAC 0.00044; ESP Exome Variant Server 0.00087; gnomAD 0.00130 and 0.00138; TOPMed 0.00137; 1000 Genomes Project 30x 0.00172; 1000 Genomes Project 0.00180.
gnomAD v4.1: 444 of 1,613,894 alleles (0.028%); highest among the groups gnomAD compares: African/African-American, 0.51%; no homozygotes.

Submissions (2):

Labcorp Genetics (formerly Invitae), Labcorp
Classification: Benign. Last evaluated: 2017-12-07. Review status: criteria provided, single submitter. Criteria: Invitae Variant Classification Sherloc (09022015). Collection method: clinical testing. Allele origin: germline.

PreventionGenetics, part of Exact Sciences
Classification: Likely benign for UNC13A-related condition. Last evaluated: 2024-07-15. Review status: no assertion criteria provided. Collection method: clinical testing. Allele origin: germline. Not counted in ClinVar's aggregate classification.
Comment: This variant is classified as likely benign based on ACMG/AMP sequence variant interpretation guidelines (Richards et al. 2015 PMID: 25741868, with internal and published modifications).

NM_001080421.3(UNC13A):c.3411C>T (p.Arg1137=)

Gene: UNC13A (unc-13 homolog A; minus strand). Cytogenetic location: 19p13.11.
Variant type: single nucleotide variant.
Coding change: c.3411C>T on transcript NM_001080421.3 (MANE Select); coding-DNA position 3411, C replaced by T.
Protein change: p.Arg1137=; no amino-acid change (arginine 1137 retained).
Molecular consequence: synonymous variant.
Genome position (GRCh38, 1-based): chr19:17,632,799, G>A on the plus strand (C>T on the coding strand, the complement: UNC13A is on the minus strand). VCF-style: chr19-17632799-G-A. GRCh37 (hg19) VCF-style: chr19-17743608-G-A.
Other names: c.3405C>T, p.Arg1135= (NM_001387021.1, NM_001387022.1, NM_001387023.1).
Identifiers: ClinVar variation 732596 (VCV000732596.4), dbSNP rs371883127, ClinGen allele CA9298004.